The following is an entry in ClinVar:

ClinVar aggregate classification (germline): Uncertain significance. Review status: criteria provided, multiple submitters, no conflicts (2 of 4 stars). 3 submissions from 3 submitters: Uncertain significance (3). Last evaluated 2025-11-23.

Conditions:
Posterior polymorphous corneal dystrophy. Also called: Polymorphous corneal dystrophy; CORNEAL DYSTROPHY, HEREDITARY POLYMORPHOUS POSTERIOR. Identifiers: Orphanet 98973, MedGen C0339284, MONDO:0020364, HP:0007915.

Allele frequency attached by ClinVar (database versions not stated): gnomAD 0.00009; TOPMed 0.00010; gnomAD exomes 0.00020 and 0.00006; ExAC below 0.00001.
gnomAD v4.1: 293 of 1,531,688 alleles (0.019%); highest among the groups gnomAD compares: Non-Finnish European, 0.024%; no homozygotes.

Submissions (3):

Labcorp Genetics (formerly Invitae), Labcorp
Classification: Uncertain significance. Last evaluated: 2025-11-23. Review status: criteria provided, single submitter. Criteria: Invitae Variant Classification Sherloc (09022015). Collection method: clinical testing. Allele origin: germline.
Comment: This sequence change creates a premature translational stop signal (p.Cys55*) in the VSX1 gene. It is expected to result in an absent or disrupted protein product. However, the current clinical and genetic evidence is not sufficient to establish whether loss-of-function variants in VSX1 cause disease. This variant is present in population databases (rs756572706, gnomAD 0.01%). This variant has not been reported in the literature in individuals affected with VSX1-related conditions. ClinVar contains an entry for this variant (Variation ID: 488734). In summary, the available evidence is currently insufficient to determine the role of this variant in disease. Therefore, it has been classified as a Variant of Uncertain Significance.

Illumina Laboratory Services, Illumina
Classification: Uncertain significance for Polymorphous corneal dystrophy. Last evaluated: 2018-06-29. Review status: criteria provided, single submitter. Criteria: ICSL Variant Classification Criteria 13 December 2019. Collection method: clinical testing. Allele origin: germline.
Comment: This variant was observed as part of a predisposition screen in an ostensibly healthy population. A literature search was performed for the gene, cDNA change, and amino acid change (where applicable). Publications were found based on this search. However, the evidence from the literature, in combination with allele frequency data from public databases where available, was not sufficient to rule this variant in or out of causing disease. Therefore, this variant is classified as a variant of unknown significance.

GeneDx
Classification: Uncertain significance. Last evaluated: 2017-12-04. Review status: criteria provided, single submitter. Criteria: GeneDx Variant Classification (06012015). Collection method: clinical testing. Allele origin: germline. Affected: yes.
Comment: he C55X variant in the VSX1 gene has not been reported previously as a pathogenic variant nor as a benign variant, to our knowledge. This variant is predicted to cause loss of normal protein function either through protein truncation or nonsense-mediated mRNA decay. However, the C55X variant is observed in 8/59388 (0.014%) alleles from individuals of non-Finnish European background in large population cohorts (Lek et al., 2016). We interpret C55X as a variant of uncertain significance.

Literature cited by the submitters: PubMed 26879370 (cited by Illumina Laboratory Services, Illumina).

NM_014588.6(VSX1):c.165C>A (p.Cys55Ter)

Gene: VSX1 (visual system homeobox 1; minus strand). Cytogenetic location: 20p11.21.
Variant type: single nucleotide variant.
Coding change: c.165C>A on transcript NM_014588.6 (MANE Select); coding-DNA position 165, C replaced by A.
Protein change: p.Cys55Ter; replaces cysteine 55 with a stop codon.
Molecular consequence: nonsense. On other transcripts: non-coding transcript variant (2).
Genome position (GRCh38, 1-based): chr20:25,081,932, G>T on the plus strand (C>A on the coding strand, the complement: VSX1 is on the minus strand). VCF-style: chr20-25081932-G-T. GRCh37 (hg19) VCF-style: chr20-25062568-G-T.
Other names: c.165C>A, p.Cys55Ter (NM_001256271.2, NM_001256272.2, NM_199425.3); short protein forms C55*.
Identifiers: ClinVar variation 488734 (VCV000488734.7), dbSNP rs756572706, ClinGen allele CA9793695.